The following is an entry in ClinVar:

ClinVar aggregate classification (germline): Uncertain significance (1 of 4 stars; one submission).

Conditions:
Naxos disease (NXD). Also called: WOOLLY HAIR, PALMOPLANTAR KERATODERMA, AND CARDIAC ABNORMALITIES; KERATOSIS PALMOPLANTARIS WITH ARRHYTHMOGENIC CARDIOMYOPATHY; MAL DE NAXOS; PALMOPLANTAR KERATODERMA WITH ARRHYTHMOGENIC RIGHT VENTRICULAR CARDIOMYOPATHY AND WOOLLY HAIR; CARDIOMYOPATHY, ARRHYTHMOGENIC RIGHT VENTRICULAR, WITH SKIN, HAIR, AND NAIL ABNORMALITIES. Identifiers: Orphanet 34217, MedGen C1832600, MONDO:0011017, OMIM 601214.
Arrhythmogenic right ventricular dysplasia 12. Also called: ARRHYTHMOGENIC RIGHT VENTRICULAR DYSPLASIA, FAMILIAL, 12. Identifiers: MedGen C1969081, MONDO:0012684, OMIM 611528.

Allele frequency attached by ClinVar (database versions not stated): gnomAD exomes below 0.00001.

Submission:

Labcorp Genetics (formerly Invitae), Labcorp
Classification: Uncertain significance for Arrhythmogenic right ventricular dysplasia 12; Naxos disease. Last evaluated: 2022-01-03. Review status: criteria provided, single submitter. Criteria: Invitae Variant Classification Sherloc (09022015). Collection method: clinical testing. Allele origin: germline.
Comment: In summary, the available evidence is currently insufficient to determine the role of this variant in disease. Therefore, it has been classified as a Variant of Uncertain Significance. Algorithms developed to predict the effect of missense changes on protein structure and function are either unavailable or do not agree on the potential impact of this missense change (SIFT: "Deleterious"; PolyPhen-2: "Benign"; Align-GVGD: "Class C0"). This variant has not been reported in the literature in individuals affected with JUP-related conditions. The frequency data for this variant in the population databases is considered unreliable, as metrics indicate poor data quality at this position in the gnomAD database. This sequence change replaces methionine, which is neutral and non-polar, with valine, which is neutral and non-polar, at codon 234 of the JUP protein (p.Met234Val).

NM_002230.4(JUP):c.700A>G (p.Met234Val)

Gene: JUP (junction plakoglobin; minus strand). Cytogenetic location: 17q21.2.
Variant type: single nucleotide variant.
Coding change: c.700A>G on transcript NM_002230.4 (MANE Select); coding-DNA position 700, A replaced by G.
Protein change: p.Met234Val; replaces methionine 234 with valine.
Molecular consequence: missense variant.
Genome position (GRCh38, 1-based): chr17:41,768,976, T>C on the plus strand (A>G on the coding strand, the complement: JUP is on the minus strand). VCF-style: chr17-41768976-T-C. GRCh37 (hg19) VCF-style: chr17-39925228-T-C.
Other names: c.700A>G, p.Met234Val (NM_001352773.2, NM_001352774.2, NM_001352775.2 and 3 more transcripts); short protein forms M234V.
Identifiers: ClinVar variation 1910580 (VCV001910580.5), dbSNP rs1555605112, ClinGen allele CA399502222.